The following is an entry in ClinVar:

ClinVar aggregate classification (germline): Likely benign (1 of 4 stars; one submission).

Submission:

GeneDx
Classification: Likely benign. Last evaluated: 2018-06-16. Review status: criteria provided, single submitter. Criteria: GeneDx Variant Classification (06012015). Collection method: clinical testing. Allele origin: germline. Affected: yes.
Comment: This variant is considered likely benign or benign based on one or more of the following criteria: it is a conservative change, it occurs at a poorly conserved position in the protein, it is predicted to be benign by multiple in silico algorithms, and/or has population frequency not consistent with disease.

NM_002294.3(LAMP2):c.557-128dup

Gene: LAMP2 (lysosomal associated membrane protein 2; minus strand). Cytogenetic location: Xq24.
Variant type: Duplication.
Coding change: c.557-128dup on transcript NM_002294.3 (MANE Select); 128 bases into the intron before coding-DNA position 557, one base duplicated (A; older notation c.557-128dupA).
Molecular consequence: intron variant.
Genome position (GRCh38, 1-based): chrX:120,448,153, T duplicated on the plus strand (A on the coding strand, the reverse complement: LAMP2 is on the minus strand); the first of 2 consecutive T bases (chrX:120,448,153-120,448,154); duplicating either gives the same sequence. VCF-style (leftmost placement, unchanged base first): chrX-120448152-C-CT. GRCh37 (hg19) VCF-style: chrX-119582007-C-CT.
Other names: c.557-128_557-127insA (NM_002294.2); c.557-128dup (NM_001122606.1, NM_013995.2).
Identifiers: ClinVar variation 673555 (VCV000673555.1), dbSNP rs775935754, ClinGen allele CA335013530.